The following is an entry in ClinVar:

NC_000017.10:g.(?_29422318)_(29422397_?)dup

Genes: MIR4733HG (MIR4733 host gene; minus strand), NF1 (neurofibromin 1; plus strand), LOC111811965 (NF1 (neurofibromin 1) promoter region; plus strand). Cytogenetic location: 17q11.2.
Variant type: Duplication.
Identifiers: ClinVar variation 583778 (VCV000583778.3).

ClinVar aggregate classification (germline): Uncertain significance (1 of 4 stars; one submission).

Conditions:
Neurofibromatosis, type 1 (NF1). Also called: Peripheral type neurofibromatosis; VON RECKLINGHAUSEN DISEASE; NEUROFIBROMATOSIS, TYPE I, SOMATIC; Neurofibromatosis, type I. Identifiers: Orphanet 636, MedGen C0027831, MONDO:0018975, OMIM 162200. Disease mechanism: loss of function.

Submission:

Labcorp Genetics (formerly Invitae), Labcorp
Classification: Uncertain significance for Neurofibromatosis, type 1. Last evaluated: 2019-06-13. Review status: criteria provided, single submitter. Criteria: Invitae Variant Classification Sherloc (09022015). Collection method: clinical testing. Allele origin: germline.
Comment: This variant results in a copy number gain of the genomic region encompassing exon 1 of the NF1 gene. The 5' end of this event is unknown as it extends beyond the assayed region for this gene and therefore may encompass additional genes. The 3' boundary is likely confined to intron 1 of the NF1 gene. As the precise location of this event is unknown, it may be in tandem or it may be located elsewhere in the genome. Gain of exon 1 has not been reported in the literature in individuals with NF1-related disease. In summary, the available evidence is currently insufficient to determine the role of this variant in disease. Therefore, it has been classified as a Variant of Uncertain Significance.